The following is an entry in ClinVar:

NM_001042475.3(CEP85L):c.1576_1577del (p.Gln527fs)

Gene: CEP85L (centrosomal protein 85L; minus strand). Cytogenetic location: 6q22.31.
Variant type: Microsatellite.
Coding change: c.1576_1577del on transcript NM_001042475.3 (MANE Select); coding-DNA positions 1576 to 1577, 2 bases deleted (AG; older notation c.1576_1577delAG).
Protein change: p.Gln527fs; shifts the reading frame from glutamine 527.
Molecular consequence: frameshift variant.
Genome position (GRCh38, 1-based): chr6:118,483,719-118,483,720, CT deleted on the plus strand (AG on the coding strand, the reverse complement: CEP85L is on the minus strand); deleting any 2 consecutive bases within chr6:118,483,719-118,483,722 gives the same sequence; the c. name uses the placement nearest the transcript's 3' end. VCF-style (leftmost placement, unchanged base first): chr6-118483718-ACT-A. GRCh37 (hg19) VCF-style: chr6-118804881-ACT-A.
Other names: c.1585_1586del, p.Gln530fs (NM_001178035.2); short protein forms Q527fs, Q530fs.
Identifiers: ClinVar variation 4880243 (VCV004880243.1).

ClinVar aggregate classification (germline): Pathogenic (1 of 4 stars; one submission).

Conditions:
Lissencephaly 10. Identifiers: MedGen C5394354, MONDO:0030031, OMIM 618873.

Submission:

Gansu Provincial Maternity and Child Care Hospital
Classification: Pathogenic for Lissencephaly 10. Last evaluated: 2026-06-02. Review status: criteria provided, single submitter. Criteria: ACMG Guidelines, 2015. Collection method: clinical testing. Allele origin: de novo. Inheritance: Autosomal dominant inheritance. Affected: yes.
Comment: The c.1576_c.1577delAG variant is a frameshift variant that leads to premature termination of translation (PVS1). Parental verification confirmed it as a de novo variant (PS2). This site is not recorded in the gnomAD database (PM2_supporting).This variant is classified as Pathogenic.